The following is an entry in ClinVar:

ClinVar aggregate classification (germline): Pathogenic/Likely pathogenic. Review status: criteria provided, multiple submitters, no conflicts (2 of 4 stars). 2 submissions from 2 submitters: Pathogenic (1); Likely pathogenic (1). Last evaluated 2024-06-07.

Conditions:
DICER1-related tumor predisposition. Also called: DICER1 syndrome; DICER1-related pleuropulmonary blastoma cancer predisposition syndrome. Identifiers: Orphanet 284343, MedGen C3839822, MONDO:0100216.

Submissions (2):

Institute for Genomic Medicine (IGM) Clinical Laboratory, Nationwide Children's Hospital
Classification: Likely pathogenic for DICER1-related tumor predisposition. Last evaluated: 2024-06-07. Review status: criteria provided, single submitter. Criteria: ACMG Guidelines, 2015. Collection method: clinical testing. Allele origin: germline.
Comment: This variant is predicted to result in loss of function through nonsense-mediated decay of the encoded transcript or premature truncation of the encoded protein in a gene in which loss of function is a known mechanism of disease (ACMG/AMP: PVS1; PMIDs:19556464, 21266384). This variant is absent from or present at an exceedingly low frequency in gnomAD, a large-scale control population database (ACMG/AMP: PM2).

Labcorp Genetics (formerly Invitae), Labcorp
Classification: Pathogenic for DICER1-related tumor predisposition. Last evaluated: 2024-05-06. Review status: criteria provided, single submitter. Criteria: Invitae Variant Classification Sherloc (09022015). Collection method: clinical testing. Allele origin: germline.
Comment: This sequence change creates a premature translational stop signal (p.Ala1039Tyrfs*51) in the DICER1 gene. It is expected to result in an absent or disrupted protein product. Loss-of-function variants in DICER1 are known to be pathogenic (PMID: 19556464, 21266384). This variant is not present in population databases (gnomAD no frequency). This variant has not been reported in the literature in individuals affected with DICER1-related conditions. For these reasons, this variant has been classified as Pathogenic.

Literature cited by the submitters: PubMed 19556464 (cited by Institute for Genomic Medicine (IGM) Clinical Laboratory, Nationwide Children's Hospital and Labcorp Genetics (formerly Invitae), Labcorp); PubMed 21266384 (cited by Institute for Genomic Medicine (IGM) Clinical Laboratory, Nationwide Children's Hospital and Labcorp Genetics (formerly Invitae), Labcorp).

NM_177438.3(DICER1):c.3111_3112del (p.Ala1039fs)

Gene: DICER1 (dicer 1, ribonuclease III; minus strand). Cytogenetic location: 14q32.13.
Variant type: Microsatellite.
Coding change: c.3111_3112del on transcript NM_177438.3 (MANE Select); coding-DNA positions 3111 to 3112, 2 bases deleted (CT; older notation c.3111_3112delCT).
Protein change: p.Ala1039fs; shifts the reading frame from alanine 1039.
Molecular consequence: frameshift variant. On other transcripts: non-coding transcript variant (6).
Genome position (GRCh38, 1-based): chr14:95,105,228-95,105,229, AG deleted on the plus strand (CT on the coding strand, the reverse complement: DICER1 is on the minus strand); deleting any 2 consecutive bases within chr14:95,105,228-95,105,231 gives the same sequence; the c. name uses the placement nearest the transcript's 3' end. VCF-style (leftmost placement, unchanged base first): chr14-95105227-CAG-C. GRCh37 (hg19) VCF-style: chr14-95571564-CAG-C.
Other names: c.3111_3112del, p.Ala1039fs (NM_001195573.1, NM_001271282.3, NM_001291628.2 and 12 more transcripts); c.2829_2830del, p.Ala945fs (NM_001395686.1); c.2706_2707del, p.Ala904fs (NM_001395687.1, NM_001395688.1, NM_001395689.1 and 2 more transcripts); c.2544_2545del, p.Ala850fs (NM_001395691.1); c.1428_1429del, p.Ala478fs (NM_001395697.1); short protein forms A1039fs, A850fs, A945fs, A478fs, A904fs.
Identifiers: ClinVar variation 3652311 (VCV003652311.3).
Genomic context (GRCh38, chr14:95,105,227, plus strand): 5'-AGTATGCTGGGGAGACAAACAGCTTTTCTCCACAGTGATGCTGGAATTGGATGTATAGCA[CAG>C]AGTTCTGGAACCAGTATCTTCAAGTAAGGGGAAAAATGGACAGATAAATACAAAGCGCAC-3'